The following is an entry in ClinVar:

ClinVar aggregate classification (germline): Uncertain significance (1 of 4 stars; one submission).

Conditions:
Familial adenomatous polyposis 1 (FAP1). Also called: FAMILIAL ADENOMATOUS POLYPOSIS 1, ATTENUATED; POLYPOSIS, ADENOMATOUS INTESTINAL. Identifiers: MedGen C2713442, MONDO:0021056, OMIM 175100. Disease mechanism: loss of function.

gnomAD v4.1: 1 of 1,614,066 alleles (0.000062%); highest among the groups gnomAD compares: South Asian, 0.0011%; no homozygotes.

Submission:

Labcorp Genetics (formerly Invitae), Labcorp
Classification: Uncertain significance for Familial adenomatous polyposis 1. Last evaluated: 2025-04-23. Review status: criteria provided, single submitter. Criteria: Invitae Variant Classification Sherloc (09022015). Collection method: clinical testing. Allele origin: germline.
Comment: This sequence change replaces alanine, which is neutral and non-polar, with threonine, which is neutral and polar, at codon 1457 of the APC protein (p.Ala1457Thr). This variant is present in population databases (rs745798904, gnomAD 0.003%). This variant has not been reported in the literature in individuals affected with APC-related conditions. Invitae Evidence Modeling of protein sequence and biophysical properties (such as structural, functional, and spatial information, amino acid conservation, physicochemical variation, residue mobility, and thermodynamic stability) indicates that this missense variant is not expected to disrupt APC protein function with a negative predictive value of 95%. In summary, the available evidence is currently insufficient to determine the role of this variant in disease. Therefore, it has been classified as a Variant of Uncertain Significance.

NM_000038.6(APC):c.4369G>A (p.Ala1457Thr)

Gene: APC (APC regulator of Wnt signaling pathway; plus strand). Cytogenetic location: 5q22.2.
Variant type: single nucleotide variant.
Coding change: c.4369G>A on transcript NM_000038.6 (MANE Select); coding-DNA position 4369, G replaced by A.
Protein change: p.Ala1457Thr; replaces alanine 1457 with threonine.
Molecular consequence: missense variant. On other transcripts: non-coding transcript variant (2).
Genome position (GRCh38, 1-based): chr5:112,839,963, G>A. VCF-style: chr5-112839963-G-A. GRCh37 (hg19) VCF-style: chr5-112175660-G-A.
Other names: c.4369G>A, p.Ala1457Thr (NM_001127510.3, NM_001354895.2, NM_001407450.1); c.4315G>A, p.Ala1439Thr (NM_001127511.3); c.4423G>A, p.Ala1475Thr (NM_001354896.2, NM_001407447.1, NM_001407448.1 and 1 more transcripts); c.4399G>A, p.Ala1467Thr (NM_001354897.2); c.4294G>A, p.Ala1432Thr (NM_001354898.2); c.4285G>A, p.Ala1429Thr (NM_001354899.2); c.4246G>A, p.Ala1416Thr (NM_001354900.2); c.4192G>A, p.Ala1398Thr (NM_001354901.2, NM_001407453.1); and 11 more; short protein forms A1073T, A1174T, A1297T, A1328T, A1331T, A1356T, A1366T, A1374T.
Identifiers: ClinVar variation 4801482 (VCV004801482.1).